The following is an entry in ClinVar:

NM_000059.4(BRCA2):c.3720_3721del (p.Leu1240_Phe1241insTer)

Gene: BRCA2 (BRCA2 DNA repair associated; plus strand). Cytogenetic location: 13q13.1.
Variant type: Deletion.
Coding change: c.3720_3721del on transcript NM_000059.4 (MANE Select); coding-DNA positions 3720 to 3721, 2 bases deleted (GT; older notation c.3720_3721delGT).
Protein change: p.Leu1240_Phe1241insTer.
Molecular consequence: frameshift variant.
Genome position (GRCh38, 1-based): chr13:32,338,075-32,338,076, GT deleted; deleting any 2 consecutive bases within chr13:32,338,074-32,338,076 gives the same sequence; the c. name uses the placement nearest the transcript's 3' end. VCF-style (leftmost placement, unchanged base first): chr13-32338073-CTG-C. GRCh37 (hg19) VCF-style: chr13-32912210-CTG-C.
Other names: c.3720_3721delGT (NM_000059.3).
Identifiers: ClinVar variation 440430 (VCV000440430.19), dbSNP rs1555283373, ClinGen allele CA645509344.

ClinVar aggregate classification (germline): Pathogenic. Review status: reviewed by expert panel (3 of 4 stars). 6 submissions from 6 submitters: Pathogenic (1). 5 of the submissions do not count toward it. Last evaluated 2017-12-15.

Conditions:
Breast-ovarian cancer, familial, susceptibility to, 2 (BROVCA2). Also called: BRCA2 Hereditary Breast and Ovarian Cancer. Identifiers: Orphanet 145, MedGen C2675520, MONDO:0012933, OMIM 612555. Disease mechanism: loss of function.
Familial cancer of breast. Also called: hereditary breast carcinoma; BREAST CANCER, FAMILIAL; Hereditary breast cancer. Identifiers: Orphanet 227535, MedGen C0346153, MONDO:0016419, OMIM 114480. Disease mechanism: loss of function.
Hereditary cancer-predisposing syndrome. Also called: Hereditary Cancer Syndrome; Hereditary neoplastic syndrome; Tumor predisposition; Neoplastic Syndromes, Hereditary. Identifiers: Orphanet 140162, MedGen C0027672, MeSH D009386, MONDO:0015356.
Hereditary breast ovarian cancer syndrome. Also called: Hereditary breast and ovarian cancer syndrome; BRCA1- and BRCA2-Associated Hereditary Breast and Ovarian Cancer; Hereditary breast and ovarian cancer syndrome (HBOC); Hereditary breast and/or ovarian cancer syndrome; Hereditary breast and ovarian cancer; Breast and ovarian cancer. Identifiers: Orphanet 145, MedGen C0677776, MeSH D061325, MONDO:0003582. Disease mechanism: loss of function.

Submissions (6):

Evidence-based Network for the Interpretation of Germline Mutant Alleles (ENIGMA)
Classification: Pathogenic for Breast-ovarian cancer, familial, susceptibility to, 2. Last evaluated: 2017-12-15. Review status: reviewed by expert panel. Criteria: ENIGMA BRCA1/2 Classification Criteria (2017-06-29). Collection method: curation. Allele origin: germline. Study: ENIGMA.
Comment: Variant allele predicted to encode a truncated non-functional protein.

Labcorp Genetics (formerly Invitae), Labcorp
Classification: Pathogenic for Hereditary breast ovarian cancer syndrome. Last evaluated: 2025-01-27. Review status: criteria provided, single submitter. Criteria: Invitae Variant Classification Sherloc (09022015). Collection method: clinical testing. Allele origin: germline. Not counted in ClinVar's aggregate classification.
Comment: This sequence change creates a premature translational stop signal (p.Phe1241*) in the BRCA2 gene. It is expected to result in an absent or disrupted protein product. Loss-of-function variants in BRCA2 are known to be pathogenic (PMID: 20104584). This variant is not present in population databases (gnomAD no frequency). This premature translational stop signal has been observed in individual(s) with or at risk for breast cancer (PMID: 29339979). ClinVar contains an entry for this variant (Variation ID: 440430). For these reasons, this variant has been classified as Pathogenic.

Ambry Genetics
Classification: Pathogenic for Hereditary cancer-predisposing syndrome. Last evaluated: 2024-12-05. Review status: criteria provided, single submitter. Criteria: Ambry Variant Classification Scheme 2023. Collection method: clinical testing. Allele origin: germline. Not counted in ClinVar's aggregate classification.
Comment: The c.3720_3721delGT pathogenic mutation, located in coding exon 10 of the BRCA2 gene, results from a deletion of two nucleotides at nucleotide positions 3720 to 3721, causing a translational frameshift with a predicted alternate stop codon (p.F1241*). This variant was identified in two individuals from one family in a Norwegian HBOC cohort (Heramb C et al. Hered Cancer Clin Pract. 2018 Jan;16:3). In addition to the clinical data presented in the literature, this alteration is expected to result in loss of function by premature protein truncation or nonsense-mediated mRNA decay. As such, this alteration is interpreted as a disease-causing mutation.

Baylor Genetics
Classification: Likely pathogenic for Familial cancer of breast. Last evaluated: 2021-06-10. Review status: criteria provided, single submitter. Criteria: ACMG Guidelines, 2015. Collection method: clinical testing. Allele origin: unknown. Not counted in ClinVar's aggregate classification.

Department of Medical Genetics, Oslo University Hospital
Classification: Pathogenic for Breast-ovarian cancer, familial, susceptibility to, 2. Last evaluated: 2015-07-01. Review status: criteria provided, single submitter. Criteria: ACMG Guidelines, 2015. Collection method: clinical testing. Allele origin: germline. Affected: yes. Observed: 2 variant alleles. Not counted in ClinVar's aggregate classification.

Neuberg Centre For Genomic Medicine, NCGM
Classification: Pathogenic for Breast-ovarian cancer, familial, susceptibility to, 2. Review status: criteria provided, single submitter. Criteria: ACMG Guidelines, 2015. Collection method: clinical testing. Allele origin: germline. Inheritance: Autosomal dominant inheritance. Affected: yes. Not counted in ClinVar's aggregate classification.
Comment: Clinical suspicion: Highly suspicious for developing ovarian cancer, clinician suggested for screening

Literature cited by the submitters: PubMed 20104584 (cited by Labcorp Genetics (formerly Invitae), Labcorp); PubMed 29339979 (cited by Labcorp Genetics (formerly Invitae), Labcorp and Ambry Genetics).